The following is an entry in ClinVar:

ClinVar aggregate classification (germline): Pathogenic (1 of 4 stars; one submission).

Conditions:
Charcot-Marie-Tooth disease recessive intermediate C. Also called: CHARCOT-MARIE-TOOTH NEUROPATHY, RECESSIVE INTERMEDIATE C. Identifiers: Orphanet 369867, MedGen C3809309, MONDO:0014154, OMIM 615376.
Neuronopathy, distal hereditary motor, autosomal recessive 4. Also called: NEUROPATHY, DISTAL HEREDITARY MOTOR, AUTOSOMAL RECESSIVE 4; Autosomal recessive lower motor neuron disease with childhood onset. Identifiers: Orphanet 206580, MedGen C1970211, MONDO:0012608, OMIM 611067.

Submission:

Labcorp Genetics (formerly Invitae), Labcorp
Classification: Pathogenic for Neuronopathy, distal hereditary motor, autosomal recessive 4; Charcot-Marie-Tooth disease recessive intermediate C. Last evaluated: 2023-12-30. Review status: criteria provided, single submitter. Criteria: Invitae Variant Classification Sherloc (09022015). Collection method: clinical testing. Allele origin: germline.
Comment: This sequence change creates a premature translational stop signal (p.Ala889Leufs*53) in the PLEKHG5 gene. It is expected to result in an absent or disrupted protein product. Loss-of-function variants in PLEKHG5 are known to be pathogenic (PMID: 17564964, 23777631). This variant is not present in population databases (gnomAD no frequency). This variant has not been reported in the literature in individuals affected with PLEKHG5-related conditions. For these reasons, this variant has been classified as Pathogenic.

Literature cited by the submitters: PubMed 17564964; PubMed 23777631.

NM_020631.6(PLEKHG5):c.2665del (p.Ala889fs)

Gene: PLEKHG5 (pleckstrin homology and RhoGEF domain containing G5; minus strand). Cytogenetic location: 1p36.31.
Variant type: Deletion.
Coding change: c.2665del on transcript NM_020631.6 (MANE Select); coding-DNA position 2665, one base deleted (G; older notation c.2665delG).
Protein change: p.Ala889fs; shifts the reading frame from alanine 889.
Molecular consequence: frameshift variant.
Genome position (GRCh38, 1-based): chr1:6,468,171, C deleted on the plus strand (G on the coding strand, the reverse complement: PLEKHG5 is on the minus strand); the first of 4 consecutive C bases (chr1:6,468,171-6,468,174); deleting any one gives the same sequence. VCF-style (leftmost placement, unchanged base first): chr1-6468170-GC-G. GRCh37 (hg19) VCF-style: chr1-6528230-GC-G.
Other names: c.2776del, p.Ala926fs (NM_001042663.3, NM_001265592.2); c.2665del, p.Ala889fs (NM_001042664.2, NM_001042665.2, NM_001265594.3 and 1 more transcripts); c.2872del, p.Ala958fs (NM_001265593.2); short protein forms A926fs, A889fs, A958fs.
Identifiers: ClinVar variation 2921807 (VCV002921807.3), dbSNP rs2523111990, ClinGen allele CA2740090572.